The following is an entry in ClinVar:

ClinVar aggregate classification (germline): Uncertain significance (1 of 4 stars; one submission).

Submission:

GeneDx
Classification: Uncertain significance. Last evaluated: 2019-08-27. Review status: criteria provided, single submitter. Criteria: GeneDx Variant Classification Process June 2021. Collection method: clinical testing. Allele origin: germline. Affected: yes.
Comment: Not observed in large population cohorts (Lek et al., 2016); Has not been previously published as pathogenic or benign to our knowledge

NM_000748.3(CHRNB2):c.1190_1203delinsTCA (p.Gln397fs)

Gene: CHRNB2 (cholinergic receptor nicotinic beta 2 subunit; plus strand). Cytogenetic location: 1q21.3.
Variant type: Indel.
Coding change: c.1190_1203delinsTCA on transcript NM_000748.3 (MANE Select); coding-DNA positions 1190 to 1203, AGGGGTTGGCCGGG replaced by TCA.
Protein change: p.Gln397fs; shifts the reading frame from glutamine 397.
Molecular consequence: frameshift variant.
Genome position (GRCh38, 1-based): chr1:154,572,013-154,572,026, AGGGGTTGGCCGGG replaced by TCA. VCF-style: chr1-154572013-AGGGGTTGGCCGGG-TCA. GRCh37 (hg19) VCF-style: chr1-154544489-AGGGGTTGGCCGGG-TCA.
Other names: short protein forms Q397fs.
Identifiers: ClinVar variation 1310733 (VCV001310733.2), dbSNP rs2101522423, ClinGen allele CA2573051377.